The following is an entry in ClinVar:

NM_004304.5(ALK):c.551G>T (p.Arg184Leu)

Gene: ALK (ALK receptor tyrosine kinase; minus strand). Cytogenetic location: 2p23.1.
Variant type: single nucleotide variant.
Coding change: c.551G>T on transcript NM_004304.5 (MANE Select); coding-DNA position 551, G replaced by T.
Protein change: p.Arg184Leu; replaces arginine 184 with leucine.
Molecular consequence: missense variant.
Genome position (GRCh38, 1-based): chr2:29,920,109, C>A on the plus strand (G>T on the coding strand, the complement: ALK is on the minus strand). VCF-style: chr2-29920109-C-A. GRCh37 (hg19) VCF-style: chr2-30142975-C-A.
Other names: short protein forms R184L.
Identifiers: ClinVar variation 577702 (VCV000577702.9), dbSNP rs1558549514, ClinGen allele CA346589813.

ClinVar aggregate classification (germline): Uncertain significance. Review status: criteria provided, multiple submitters, no conflicts (2 of 4 stars). 2 submissions from 2 submitters: Uncertain significance (2). Last evaluated 2025-04-20.

Conditions:
Hereditary cancer-predisposing syndrome. Also called: Hereditary neoplastic syndrome; Tumor predisposition; Hereditary Cancer Syndrome; Neoplastic Syndromes, Hereditary. Identifiers: Orphanet 140162, MedGen C0027672, MeSH D009386, MONDO:0015356.
Neuroblastoma, susceptibility to, 3. Also called: ALK-Related Neuroblastic Tumor Susceptibility. Identifiers: Orphanet 635, MedGen C2751681, MONDO:0013083, OMIM 613014.

Allele frequency attached by ClinVar (database versions not stated): gnomAD exomes below 0.00001.
gnomAD v4.1: 1 of 1,614,144 alleles (0.000062%); no homozygotes.

Submissions (2):

Ambry Genetics
Classification: Uncertain significance for Hereditary cancer-predisposing syndrome. Last evaluated: 2025-04-20. Review status: criteria provided, single submitter. Criteria: Ambry Variant Classification Scheme 2023. Collection method: clinical testing. Allele origin: germline.
Comment: The p.R184L variant (also known as c.551G>T), located in coding exon 1 of the ALK gene, results from a G to T substitution at nucleotide position 551. The arginine at codon 184 is replaced by leucine, an amino acid with dissimilar properties. This amino acid position is conserved. In addition, this alteration is predicted to be deleterious by in silico analysis. Based on the available evidence, the clinical significance of this variant remains unclear.

Labcorp Genetics (formerly Invitae), Labcorp
Classification: Uncertain significance for Neuroblastoma, susceptibility to, 3. Last evaluated: 2024-02-20. Review status: criteria provided, single submitter. Criteria: Invitae Variant Classification Sherloc (09022015). Collection method: clinical testing. Allele origin: germline.
Comment: This sequence change replaces arginine, which is basic and polar, with leucine, which is neutral and non-polar, at codon 184 of the ALK protein (p.Arg184Leu). This variant is not present in population databases (gnomAD no frequency). This variant has not been reported in the literature in individuals affected with ALK-related conditions. ClinVar contains an entry for this variant (Variation ID: 577702). An algorithm developed to predict the effect of missense changes on protein structure and function (PolyPhen-2) suggests that this variant is likely to be disruptive. In summary, the available evidence is currently insufficient to determine the role of this variant in disease. Therefore, it has been classified as a Variant of Uncertain Significance.